The following is an entry in ClinVar:

NM_001267550.2(TTN):c.70047G>C (p.Glu23349Asp)

Genes: TTN-AS1 (TTN antisense RNA 1; plus strand), TTN (titin; minus strand), LOC126806422 (BRD4-independent group 4 enhancer GRCh37_chr2:179440205-179441404; plus strand). Cytogenetic location: 2q31.2.
Variant type: single nucleotide variant.
Coding change: c.70047G>C on transcript NM_001267550.2 (MANE Select); coding-DNA position 70047, G replaced by C.
Protein change: p.Glu23349Asp; replaces glutamic acid 23349 with aspartic acid.
Molecular consequence: missense variant.
Genome position (GRCh38, 1-based): chr2:178,576,085, C>G on the plus strand (G>C on the coding strand, the complement: TTN is on the minus strand). VCF-style: chr2-178576085-C-G. GRCh37 (hg19) VCF-style: chr2-179440812-C-G.
Other names: c.65124G>C, p.Glu21708Asp (NM_001256850.1); c.42852G>C, p.Glu14284Asp (NM_003319.4); c.62343G>C, p.Glu20781Asp (NM_133378.4); c.43227G>C, p.Glu14409Asp (NM_133432.3); c.43428G>C, p.Glu14476Asp (NM_133437.4); short protein forms E14284D, E14409D, E14476D, E20781D, E21708D, E23349D.
Identifiers: ClinVar variation 1328095 (VCV001328095.4), dbSNP rs774136558, ClinGen allele CA1990845.
Genomic context (GRCh38, chr2:178,576,085, plus strand): 5'-TTTAATTGGCACAAATATCCTAATACTGAGTCCTGCTCTAACAACAAGTGTTCTTCGAAG[C>G]TCGGCATCTAGTTCAAAATCAGGAGCCATCTCCCGTTCTACGATTTCAACATCTGGAATC-3'
Protein context (NP_001254479.2, residues 23339-23359): EMAPDFELDA[Glu23349Asp]LRRTLVVRAG

ClinVar aggregate classification (germline): Uncertain significance. Review status: criteria provided, single submitter (1 of 4 stars). 3 submissions from 3 submitters: Uncertain significance (1). 2 of the submissions do not count toward it.

Conditions:
Dilated cardiomyopathy 1G (CMD1G). Identifiers: Orphanet 154, MedGen C1858763, MONDO:0011400, OMIM 604145.
Autosomal recessive limb-girdle muscular dystrophy type 2J (LGMDR10). Also called: Limb-girdle muscular dystrophy, type 2J; MUSCULAR DYSTROPHY, LIMB-GIRDLE, AUTOSOMAL RECESSIVE 10. Identifiers: Orphanet 140922, MedGen C1837342, MONDO:0012127, OMIM 608807.
Early-onset myopathy with fatal cardiomyopathy (CMYO5). Also called: Salih Myopathy; CONGENITAL MYOPATHY 5 WITH CARDIOMYOPATHY. Identifiers: Orphanet 289377, MedGen C2673677, MONDO:0012714, OMIM 611705. Disease mechanism: loss of function.
Tibial muscular dystrophy (TMD). Also called: Tibial muscular dystrophy, tardive; UDD MYOPATHY; Udd Distal Myopathy – Tibial Muscular Dystrophy. Identifiers: Orphanet 609, MedGen C1838244, MONDO:0010870, OMIM 600334.
Myopathy, myofibrillar, 9, with early respiratory failure (MFM9). Also called: MYOPATHY, PROXIMAL, WITH EARLY RESPIRATORY MUSCLE INVOLVEMENT; Hereditary myopathy with early respiratory failure; Myopathy, distal, with early respiratory failure, autosomal dominant; EDSTROM MYOPATHY. Identifiers: Orphanet 178464, Orphanet 34521, MedGen C1863599, MONDO:0011362, OMIM 603689.
Hypertrophic cardiomyopathy 9. Also called: Familial hypertrophic cardiomyopathy 9. Identifiers: MedGen C1861065, MONDO:0013412, OMIM 613765.

Allele frequency attached by ClinVar (database versions not stated): TOPMed below 0.00001; gnomAD exomes 0.00001 and 0.00003; ExAC 0.00004.
gnomAD v4.1: 9 of 1,613,376 alleles (0.00056%); highest among the groups gnomAD compares: East Asian, 0.02%; no homozygotes.

Submissions (3):

Juno Genomics, Hangzhou Juno Genomics, Inc
Classification: Uncertain significance for Early-onset myopathy with fatal cardiomyopathy; Dilated cardiomyopathy 1G; Hypertrophic cardiomyopathy 9; Autosomal recessive limb-girdle muscular dystrophy type 2J; Myopathy, myofibrillar, 9, with early respiratory failure; Tibial muscular dystrophy. Review status: criteria provided, single submitter. Criteria: ACMG Guidelines, 2015. Collection method: clinical testing. Allele origin: germline.
Comment: Absent from controls (or at extremely low frequency if recessive) in Genome Aggregation Database.;Multiple lines of computational evidence suggest no impact on gene or gene product.;Missense variant in a gene that has a low rate of benign missense variation.

Clinical Genetics, Academic Medical Center
Classification: Uncertain significance. Review status: no assertion criteria provided. Collection method: clinical testing. Allele origin: germline. Affected: yes. Study: VKGL Data-share Consensus. Not counted in ClinVar's aggregate classification.

Laboratory of Diagnostic Genome Analysis, Leiden University Medical Center (LUMC)
Classification: Uncertain significance. Review status: no assertion criteria provided. Collection method: clinical testing. Allele origin: germline. Affected: yes. Study: VKGL Data-share Consensus. Not counted in ClinVar's aggregate classification.